The following is an entry in ClinVar:

ClinVar aggregate classification (germline): Uncertain significance. Review status: criteria provided, multiple submitters, no conflicts (2 of 4 stars). 3 submissions from 3 submitters: Uncertain significance (3). Last evaluated 2024-11-30.

Conditions:
Corneal dystrophy. Identifiers: Orphanet 34533, MedGen C0010036, MONDO:0018102, HP:0001131.
Corneal dystrophy, Fuchs endothelial, 4 (FECD4). Identifiers: Orphanet 98974, MedGen C2750450, MONDO:0013204, OMIM 613268.
Corneal dystrophy-perceptive deafness syndrome (CDPD). Also called: CORNEAL DYSTROPHY AND SENSORINEURAL DEAFNESS; HARBOYAN SYNDROME. Identifiers: Orphanet 1490, MedGen C1857572, MONDO:0009015, OMIM 217400.
Congenital hereditary endothelial dystrophy of cornea. Also called: CORNEAL DYSTROPHY, CONGENITAL HEREDITARY ENDOTHELIAL; Congenital hereditary endothelial dystrophy type II; Congenital hereditary endothelial dystrophy of the cornea; Maumenee corneal dystrophy; Corneal endothelial dystrophy, autosomal recessive. Identifiers: Orphanet 293603, MedGen C1857569, MONDO:0009019, OMIM 217700.

Allele frequency attached by ClinVar (database versions not stated): TOPMed 0.00002.
gnomAD v4.1: 41 of 1,613,272 alleles (0.0025%); highest among the groups gnomAD compares: East Asian, 0.018%; no homozygotes.

Submissions (3):

Labcorp Genetics (formerly Invitae), Labcorp
Classification: Uncertain significance. Last evaluated: 2024-11-30. Review status: criteria provided, single submitter. Criteria: Invitae Variant Classification Sherloc (09022015). Collection method: clinical testing. Allele origin: germline.
Comment: This sequence change replaces threonine, which is neutral and polar, with methionine, which is neutral and non-polar, at codon 561 of the SLC4A11 protein (p.Thr561Met). This variant is present in population databases (rs755379986, gnomAD 0.04%). This variant has not been reported in the literature in individuals affected with SLC4A11-related conditions. ClinVar contains an entry for this variant (Variation ID: 899234). Invitae Evidence Modeling of protein sequence and biophysical properties (such as structural, functional, and spatial information, amino acid conservation, physicochemical variation, residue mobility, and thermodynamic stability) indicates that this missense variant is not expected to disrupt SLC4A11 protein function with a negative predictive value of 80%. Experimental studies have shown that this missense change affects SLC4A11 function (PMID: 29327391, 31691803). In summary, the available evidence is currently insufficient to determine the role of this variant in disease. Therefore, it has been classified as a Variant of Uncertain Significance.

Fulgent Genetics
Classification: Uncertain significance for Corneal dystrophy-perceptive deafness syndrome; Congenital hereditary endothelial dystrophy of cornea; Corneal dystrophy, Fuchs endothelial, 4. Last evaluated: 2021-09-08. Review status: criteria provided, single submitter. Criteria: ACMG Guidelines, 2015. Collection method: clinical testing. Allele origin: unknown.

Illumina Laboratory Services, Illumina
Classification: Uncertain significance for Corneal dystrophy. Last evaluated: 2017-04-28. Review status: criteria provided, single submitter. Criteria: ICSL Variant Classification Criteria 13 December 2019. Collection method: clinical testing. Allele origin: germline.
Comment: This variant was observed as part of a predisposition screen in an ostensibly healthy population. A literature search was performed for the gene, cDNA change, and amino acid change (where applicable). Publications were found based on this search. However, the evidence from the literature, in combination with allele frequency data from public databases where available, was not sufficient to rule this variant in or out of causing disease. Therefore, this variant is classified as a variant of unknown significance.

Literature cited by the submitters: PubMed 29327391 (cited by Labcorp Genetics (formerly Invitae), Labcorp); PubMed 31691803 (cited by Labcorp Genetics (formerly Invitae), Labcorp); PubMed 18024964 (cited by Illumina Laboratory Services, Illumina).

NM_001174089.2(SLC4A11):c.1634C>T (p.Thr545Met)

Gene: SLC4A11 (solute carrier family 4 member 11; minus strand). Cytogenetic location: 20p13.
Variant type: single nucleotide variant.
Coding change: c.1634C>T on transcript NM_001174089.2 (MANE Select); coding-DNA position 1634, C replaced by T.
Protein change: p.Thr545Met; replaces threonine 545 with methionine.
Molecular consequence: missense variant. On other transcripts: non-coding transcript variant (1).
Genome position (GRCh38, 1-based): chr20:3,229,632, G>A on the plus strand (C>T on the coding strand, the complement: SLC4A11 is on the minus strand). VCF-style: chr20-3229632-G-A. GRCh37 (hg19) VCF-style: chr20-3210278-G-A.
Other names: c.1763C>T, p.Thr588Met (NM_001174090.2); c.1520C>T, p.Thr507Met (NM_001363745.2); c.1682C>T, p.Thr561Met (NM_032034.4); short protein forms T561M, T507M, T588M, T545M.
Identifiers: ClinVar variation 899234 (VCV000899234.6), dbSNP rs755379986, ClinGen allele CA9741771.